The following is an entry in ClinVar:

ClinVar aggregate classification (germline): Uncertain significance (1 of 4 stars; one submission).

Conditions:
Charcot-Marie-Tooth disease type 2. Also called: Charcot-Marie-Tooth type 2. Identifiers: Orphanet 64746, MedGen C0270914, MONDO:0018993.

Allele frequency attached by ClinVar (database versions not stated): gnomAD exomes below 0.00001 and 0.00001; ExAC 0.00001; TOPMed 0.00001.
gnomAD v4.1: 6 of 1,614,142 alleles (0.00037%); highest among the groups gnomAD compares: Admixed American, 0.0033%; no homozygotes.

Submission:

Labcorp Genetics (formerly Invitae), Labcorp
Classification: Uncertain significance for Charcot-Marie-Tooth disease type 2. Last evaluated: 2025-01-27. Review status: criteria provided, single submitter. Criteria: Invitae Variant Classification Sherloc (09022015). Collection method: clinical testing. Allele origin: germline.
Comment: This sequence change replaces arginine, which is basic and polar, with glutamine, which is neutral and polar, at codon 912 of the AARS protein (p.Arg912Gln). This variant is present in population databases (rs777686119, gnomAD 0.006%). This variant has not been reported in the literature in individuals affected with AARS-related conditions. ClinVar contains an entry for this variant (Variation ID: 1682089). An algorithm developed to predict the effect of missense changes on protein structure and function outputs the following: PolyPhen-2: "Benign". The glutamine amino acid residue is found in multiple mammalian species, which suggests that this missense change does not adversely affect protein function. In summary, the available evidence is currently insufficient to determine the role of this variant in disease. Therefore, it has been classified as a Variant of Uncertain Significance.

NM_001605.3(AARS1):c.2735G>A (p.Arg912Gln)

Gene: AARS1 (alanyl-tRNA synthetase 1; minus strand). Cytogenetic location: 16q22.1.
Variant type: single nucleotide variant.
Coding change: c.2735G>A on transcript NM_001605.3 (MANE Select); coding-DNA position 2735, G replaced by A.
Protein change: p.Arg912Gln; replaces arginine 912 with glutamine.
Molecular consequence: missense variant.
Genome position (GRCh38, 1-based): chr16:70,252,893, C>T on the plus strand (G>A on the coding strand, the complement: AARS1 is on the minus strand). VCF-style: chr16-70252893-C-T. GRCh37 (hg19) VCF-style: chr16-70286796-C-T.
Other names: short protein forms R912Q.
Identifiers: ClinVar variation 1682089 (VCV001682089.6), dbSNP rs777686119, ClinGen allele CA8140277.
Genomic context (GRCh38, chr16:70,252,893, plus strand): 5'-CCACCTTTACCGTCCATCAAGCCTGACACCTGCTGCACCCACTCGCTGGCTTTTAAGCCC[C>T]GATTGGCTGCATTCTAGAAGACAGGAAGGGAAGGGGGAGTCAGCACAGAAGATGGGATTG-3'
Protein context (NP_001596.2, residues 902-922): LCQVPQNAAN[Arg912Gln]GLKASEWVQQ